The following is an entry in ClinVar:

NM_001042492.3(NF1):c.204+1G>T

Gene: NF1 (neurofibromin 1; plus strand). Cytogenetic location: 17q11.2.
Variant type: single nucleotide variant.
Coding change: c.204+1G>T on transcript NM_001042492.3 (MANE Select); the canonical splice donor site of the intron after coding-DNA position 204, G replaced by T.
Molecular consequence: splice donor variant.
Genome position (GRCh38, 1-based): chr17:31,156,127, G>T. VCF-style: chr17-31156127-G-T. GRCh37 (hg19) VCF-style: chr17-29483145-G-T.
Other names: c.204+1G>T (NM_000267.4, NM_001128147.3).
Identifiers: ClinVar variation 449419 (VCV000449419.21), dbSNP rs886039548, ClinGen allele CA289348717.
Genomic context (GRCh38, chr17:31,156,127, plus strand): 5'-TACAAGTTTTCTTTGGTTATAAGCGGCCTCACTACTATTTTAAAGAATGTTAACAATATG[G>T]TGAGTATTTGGGTTACTGTGTTTTGGGGAATTTGCTTTCTTTTCTTTTTGATTAAAAAGT-3'

ClinVar aggregate classification (germline): Pathogenic/Likely pathogenic. Review status: criteria provided, multiple submitters, no conflicts (2 of 4 stars). 6 submissions from 6 submitters: Pathogenic (5); Likely pathogenic (1). Last evaluated 2025-04-30.

Conditions:
Hereditary cancer-predisposing syndrome. Also called: Tumor predisposition; Hereditary Cancer Syndrome; Neoplastic Syndromes, Hereditary; Hereditary neoplastic syndrome. Identifiers: Orphanet 140162, MedGen C0027672, MeSH D009386, MONDO:0015356.
Cardiovascular phenotype. Identifiers: MedGen CN230736.
Neurofibromatosis, type 1 (NF1). Also called: VON RECKLINGHAUSEN DISEASE; NEUROFIBROMATOSIS, TYPE I, SOMATIC; Neurofibromatosis, type I; Peripheral type neurofibromatosis. Identifiers: Orphanet 636, MedGen C0027831, MONDO:0018975, OMIM 162200. Disease mechanism: loss of function.

Allele frequency attached by ClinVar (database versions not stated): gnomAD exomes below 0.00001; gnomAD 0.00001; TOPMed 0.00001.
gnomAD v4.1: 1 of 1,613,404 alleles (0.000062%); highest among the groups gnomAD compares: Non-Finnish European, 0.000085%; no homozygotes.

Submissions (6):

Labcorp Genetics (formerly Invitae), Labcorp
Classification: Pathogenic for Neurofibromatosis, type 1. Last evaluated: 2025-04-30. Review status: criteria provided, single submitter. Criteria: Invitae Variant Classification Sherloc (09022015). Collection method: clinical testing. Allele origin: germline.
Comment: This sequence change affects a donor splice site in intron 2 of the NF1 gene. RNA analysis indicates that disruption of this splice site induces altered splicing and likely results in the loss of 35 amino acid residue(s), but is expected to preserve the integrity of the reading-frame. This variant is present in population databases (no rsID available, gnomAD 0.0009%). Disruption of this splice site has been observed in individuals with neurofibromatosis type 1 (PMID: 17311297, 21354044). Invitae Evidence Modeling of clinical and family history, age, sex, and reported ancestry of multiple individuals with this NF1 variant has been performed. This variant is expected to be pathogenic with a positive predictive value of at least 99%. This is a validated machine learning model that incorporates the clinical features of 1,785,918 individuals referred to our laboratory for NF1 testing. ClinVar contains an entry for this variant (Variation ID: 449419). Studies have shown that disruption of this splice site results in the activation of a cryptic splice site in exon 2 (PMID: 17311297). This variant disrupts a region of the NF1 protein in which other variant(s) (p.Leu43Pro) have been determined to be pathogenic (PMID: 28529006, 31370276; internal data). This suggests that this is a clinically significant region of the protein, and that variants that disrupt it are likely to be disease-causing. For these reasons, this variant has been classified as Pathogenic.

Mayo Clinic Laboratories, Mayo Clinic
Classification: Likely pathogenic. Last evaluated: 2022-09-28. Review status: criteria provided, single submitter. Criteria: ACMG Guidelines, 2015. Collection method: clinical testing. Allele origin: germline. Observed: 2 variant alleles.
Comment: PP4, PM2, PS4_moderate, PVS1_moderate

Genome-Nilou Lab
Classification: Pathogenic for Neurofibromatosis, type 1. Last evaluated: 2022-03-15. Review status: criteria provided, single submitter. Criteria: ACMG Guidelines, 2015. Collection method: clinical testing. Allele origin: germline. Affected: no.

GeneDx
Classification: Pathogenic. Last evaluated: 2021-05-20. Review status: criteria provided, single submitter. Criteria: GeneDx Variant Classification Process June 2021. Collection method: clinical testing. Allele origin: germline. Affected: yes.
Comment: Canonical splice site variant predicted to result in an in-frame deletion of exon 2; Deletions involving coding exons of this gene are a known mechanism of disease (Stenson 2014); Observed in individuals with clinical features of neurofibromatosis type 1 (Fahsold 2000, Wimmer 2007, Witkowski 2020); This variant is associated with the following publications: (PMID: 26056819, 17311297, 10712197, 25525159, 30014477, 28717660, 30988082, 21354044, 12807981, 24789688, 25074460, 23913538, 31717729, 32107864)

Ambry Genetics
Classification: Pathogenic for Cardiovascular phenotype; Hereditary cancer-predisposing syndrome. Last evaluated: 2018-12-06. Review status: criteria provided, single submitter. Criteria: Ambry Variant Classification Scheme 2023. Collection method: clinical testing. Allele origin: germline.
Comment: The c.204+1G>T intronic pathogenic mutation results from a G to T substitution one nucleotide after coding exon 2 of the NF1 gene. This mutation has been detected in multiple patients with a clinical diagnosis of neurofibromatosis type 1 (NF1) and RNA splicing analysis has demonstrated aberrant splicing (Fahsold R et al. Am J Hum Genet. 2000 Mar;66(3):790-818; Wimmer K et al. Hum Mutat. 2007 Jun;28(6):599-612; Pros E et al. Hum Mutat. 2008 Sep;29(9):E173-93; Pasmant E et al. Eur J Hum Genet. 2015 May;23(5):596-601). In addition to the clinical data presented in the literature, alterations that disrupt the canonical splice site are expected to cause aberrant splicing, resulting in an abnormal protein or a transcript that is subject to nonsense-mediated mRNA decay. As such, this alteration is classified as a disease-causing mutation.

Laboratory for Molecular Medicine, Mass General Brigham Personalized Medicine
Classification: Pathogenic for Neurofibromatosis, type 1. Last evaluated: 2016-10-27. Review status: criteria provided, single submitter. Criteria: LMM Criteria. Collection method: clinical testing. Allele origin: germline. Observed: 1 variant allele.
Comment: The c.204+1G>T variant in NF1 has been reported in 8 individuals with NF1 (Fahso ld 2000, Ars 2003, Wimmer 2007, Pros 2008, Valero 2011, Xu 2014, Pasmant 2015, Z hang 2015) and was absent from large population studies. In addition, this varia nt occurs in the invariant region (+/- 1/2) of the splice consensus sequence and is predicted to cause altered splicing leading to an abnormal or absent protein . In vivo functional studies provide some evidence that the c.204+1G>T variant m ay impact protein function by creating a cryptic splice site that leads to skipp ing of exon 2 or at least a portion of exon 2 (Ars 2003, Wimmer 2007, Pros 2008) . In summary, this variant meets our criteria to be classified as pathogenic for NF1 in an autosomal dominant based upon functional evidence, absence from contr ols, and frequency in probands.

Literature cited by the submitters: PubMed 17311297 (cited by 3 submitters); PubMed 21354044 (cited by 3 submitters); PubMed 28529006 (cited by Labcorp Genetics (formerly Invitae), Labcorp); PubMed 31370276 (cited by Labcorp Genetics (formerly Invitae), Labcorp); PubMed 10712197 (cited by Mayo Clinic Laboratories, Mayo Clinic and Laboratory for Molecular Medicine, Mass General Brigham Personalized Medicine); PubMed 12807981 (cited by Mayo Clinic Laboratories, Mayo Clinic and Laboratory for Molecular Medicine, Mass General Brigham Personalized Medicine); PubMed 18546366 (cited by Mayo Clinic Laboratories, Mayo Clinic and Laboratory for Molecular Medicine, Mass General Brigham Personalized Medicine); PubMed 24789688 (cited by Mayo Clinic Laboratories, Mayo Clinic and Laboratory for Molecular Medicine, Mass General Brigham Personalized Medicine); PubMed 25074460 (cited by Mayo Clinic Laboratories, Mayo Clinic and Laboratory for Molecular Medicine, Mass General Brigham Personalized Medicine); PubMed 26056819 (cited by Mayo Clinic Laboratories, Mayo Clinic and Laboratory for Molecular Medicine, Mass General Brigham Personalized Medicine); PubMed 31717729 (cited by Mayo Clinic Laboratories, Mayo Clinic); PubMed 32107864 (cited by Mayo Clinic Laboratories, Mayo Clinic).